The following is an entry in ClinVar:

ClinVar aggregate classification (germline): Uncertain significance. Review status: criteria provided, multiple submitters, no conflicts (2 of 4 stars). 5 submissions from 5 submitters: Uncertain significance (5). Last evaluated 2026-03-02.

Conditions:
Inborn genetic diseases. Identifiers: MedGen C0950123, MeSH D030342.
Intellectual developmental disorder, X-linked, syndromic 33. Also called: X-linked intellectual disability-global development delay-facial dysmorphism-sacral caudal remnant syndrome; Intellectual disability, X-linked, syndromic 33. Identifiers: Orphanet 480907, MedGen C4225418, MONDO:0010500, OMIM 300966.

Submissions (5):

Broad Center for Mendelian Genomics, Broad Institute of MIT and Harvard
Classification: Uncertain significance for Intellectual developmental disorder, X-linked, syndromic 33. Last evaluated: 2026-03-02. Review status: criteria provided, single submitter. Criteria: ACMG Guidelines, 2015. Collection method: research. Allele origin: germline. Inheritance: X-linked inheritance.
Comment: The hemizygous p.Arg707Trp variant in TAF1 was identified in 2 siblings with a neurodevelopmental disorder including global developmental delay via a collaborative study between the Broad Institute's Center for Mendelian Genomics and the NeuroDev Study. The p.Arg707Trp variant in TAF1 has not been previously reported in the literature in individuals with neurodevelopmental disorders, and was absent from large population studies. This variant has been reported in ClinVar (Variation ID: 1300517) and has been interpreted as a variant of uncertain significance by Centogene AG - the Rare Disease Company, Ambry Genetics, and GeneDx. Computational prediction tools and conservation analyses do not provide strong support for or against an impact to the protein. The number of missense variants reported in TAF1 in the general population is lower than expected, suggesting there is little benign variation in this gene and slightly increasing the possibility that a missense variant in this gene may not be tolerated. In summary, while there is some suspicion for a pathogenic role, the clinical significance of this variant is uncertain. ACMG/AMP Criteria applied: PP2, PM2_supporting (Richards 2015).

Labcorp Genetics (formerly Invitae), Labcorp
Classification: Uncertain significance. Last evaluated: 2025-08-11. Review status: criteria provided, single submitter. Criteria: Invitae Variant Classification Sherloc (09022015). Collection method: clinical testing. Allele origin: germline.
Comment: This sequence change replaces arginine, which is basic and polar, with tryptophan, which is neutral and slightly polar, at codon 727 of the TAF1 protein (p.Arg727Trp). This variant is not present in population databases (gnomAD no frequency). This missense change has been observed in individual(s) with clinical features of TAF1-related conditions (internal data). ClinVar contains an entry for this variant (Variation ID: 1300517). An algorithm developed to predict the effect of missense changes on protein structure and function (PolyPhen-2) suggests that this variant is likely to be tolerated. This variant disrupts the p.Arg727 amino acid residue in TAF1. Other variant(s) that disrupt this residue have been observed in individuals with TAF1-related conditions (PMID: 31646703), which suggests that this may be a clinically significant amino acid residue. In summary, the available evidence is currently insufficient to determine the role of this variant in disease. Therefore, it has been classified as a Variant of Uncertain Significance.

Ambry Genetics
Classification: Uncertain significance for Inborn genetic diseases. Last evaluated: 2021-03-23. Review status: criteria provided, single submitter. Criteria: Ambry Variant Classification Scheme 2023. Collection method: clinical testing. Allele origin: germline.
Comment: The c.2179C>T (p.R727W) alteration is located in exon 13 (coding exon 13) of the TAF1 gene. This alteration results from a C to T substitution at nucleotide position 2179, causing the arginine (R) at amino acid position 727 to be replaced by a tryptophan (W). The p.R727W alteration is predicted to be tolerated by in silico analysis. Based on insufficient or conflicting evidence, the clinical significance of this alteration remains unclear.

GeneDx
Classification: Uncertain significance. Last evaluated: 2020-12-03. Review status: criteria provided, single submitter. Criteria: GeneDx Variant Classification Process June 2021. Collection method: clinical testing. Allele origin: germline. Affected: yes.
Comment: Not observed in large population cohorts (Lek et al., 2016); In silico analysis supports that this missense variant has a deleterious effect on protein structure/function; Has not been previously published as pathogenic or benign to our knowledge

CENTOGENE GmbH and LLC - Guiding Precision Medicine
Classification: Uncertain significance for Intellectual developmental disorder, X-linked, syndromic 33. Last evaluated: 2020-05-13. Review status: criteria provided, single submitter. Criteria: ACMG Guidelines, 2015. Collection method: clinical testing. Allele origin: maternal. Affected: yes.

Literature cited by the submitters: PubMed 31646703 (cited by Labcorp Genetics (formerly Invitae), Labcorp).

NM_004606.5(TAF1):c.2119C>T (p.Arg707Trp)

Gene: TAF1 (TATA-box binding protein associated factor 1; plus strand). Cytogenetic location: Xq13.1.
Variant type: single nucleotide variant.
Coding change: c.2119C>T on transcript NM_004606.5 (MANE Select); coding-DNA position 2119, C replaced by T.
Protein change: p.Arg707Trp; replaces arginine 707 with tryptophan.
Molecular consequence: missense variant. On other transcripts: non-coding transcript variant (9).
Genome position (GRCh38, 1-based): chrX:71,384,133, C>T. VCF-style: chrX-71384133-C-T. GRCh37 (hg19) VCF-style: chrX-70603983-C-T.
Other names: NM_004606.5(TAF1):c.2119C>T; p.Arg707Trp; c.2119C>T, p.Arg707Trp (NM_001286074.2); c.2056C>T, p.Arg686Trp (NM_138923.4); short protein forms R686W, R707W.
Identifiers: ClinVar variation 1300517 (VCV001300517.7), dbSNP rs2148297957, ClinGen allele CA413517403.